The following is an entry in ClinVar:

NM_000540.3(RYR1):c.2871-2A>G

Gene: RYR1 (ryanodine receptor 1; plus strand). Cytogenetic location: 19q13.2.
Variant type: single nucleotide variant.
Coding change: c.2871-2A>G on transcript NM_000540.3 (MANE Select); the canonical splice acceptor site of the intron before coding-DNA position 2871, A replaced by G.
Molecular consequence: splice acceptor variant.
Genome position (GRCh38, 1-based): chr19:38,466,089, A>G. VCF-style: chr19-38466089-A-G. GRCh37 (hg19) VCF-style: chr19-38956729-A-G.
Other names: c.2871-2A>G (NM_001042723.2).
Identifiers: ClinVar variation 3070244 (VCV003070244.1), dbSNP rs2514092663, ClinGen allele CA405634599.

ClinVar aggregate classification (germline): Uncertain significance (1 of 4 stars; one submission).

Conditions:
Malignant hyperthermia, susceptibility to, 1 (MHS1). Also called: RYR1-Related Malignant Hyperthermia Susceptibility; Anesthesia related hyperthermia; Malignant hyperpyrexia; Fulminating hyperpyrexia; Pharmacogenic myopathy; Malignant hyperthermia suceptibility 1. Identifiers: Orphanet 423, MedGen C2930980, MONDO:0007783, OMIM 145600.

Submission:

All of Us Research Program, National Institutes of Health
Classification: Uncertain significance for Malignant hyperthermia, susceptibility to, 1. Last evaluated: 2023-04-03. Review status: criteria provided, single submitter. Criteria: ACMG Guidelines, 2015. Collection method: clinical testing. Allele origin: germline. Inheritance: Autosomal dominant inheritance. Observed: 1 variant allele, 1 heterozygote.
Comment: This variant causes an A to G nucleotide substitution at the -2 position of intron 23 of the RYR1 gene. Splice site prediction tools suggest that this variant may have a significant impact on RNA splicing. Although this prediction has not been confirmed in published RNA studies, this variant is expected to result in an absent or disrupted protein product. This variant has not been reported in individuals affected with RYR1-related disorders in the literature. Loss of RYR1 function due to haploinsufficiency is not an established disease mechanism for autosomal dominant malignant hyperthermia susceptibility, although it has been associated with other phenotypes. This variant has not been identified in the general population by the Genome Aggregation Database (gnomAD). Due to insufficient evidence, this variant is classified as a Variant of Uncertain Significance for autosomal dominant malignant hyperthermia.

This study involves interpretation of variants in research participants for the purpose of population health screening. Participant phenotype was not available at the time of variant classification. Additional details can be found in publication PMID: 35346344, PMCID: PMC8962531